The following is an entry in ClinVar:

NM_001130438.3(SPTAN1):c.7396G>A (p.Asp2466Asn)

Gene: SPTAN1 (spectrin alpha, non-erythrocytic 1; plus strand). Cytogenetic location: 9q34.11.
Variant type: single nucleotide variant.
Coding change: c.7396G>A on transcript NM_001130438.3 (MANE Select); coding-DNA position 7396, G replaced by A.
Protein change: p.Asp2466Asn; replaces aspartic acid 2466 with asparagine.
Molecular consequence: missense variant.
Genome position (GRCh38, 1-based): chr9:128,633,296, G>A. VCF-style: chr9-128633296-G-A. GRCh37 (hg19) VCF-style: chr9-131395575-G-A.
Other names: p.D2466N:GAC>AAC; p.Asp2466Asn; c.7321G>A, p.Asp2441Asn (NM_001195532.2); c.7459G>A, p.Asp2487Asn (NM_001363759.2); c.7336G>A, p.Asp2446Asn (NM_001363765.2); c.7381G>A, p.Asp2461Asn (NM_003127.4); short protein forms D2466N, D2446N, D2441N, D2461N, D2487N.
Identifiers: ClinVar variation 207365 (VCV000207365.24), dbSNP rs367776636, ClinGen allele CA318759.

ClinVar aggregate classification (germline): Conflicting classifications of pathogenicity. Review status: criteria provided, conflicting classifications (1 of 4 stars). 8 submissions from 8 submitters: Uncertain significance (2); Benign (2); Likely benign (4). Last evaluated 2026-09-01.

Conditions:
SPTAN1-related disorder. Also called: SPTAN1-related disorders; SPTAN1-related condition.
Early-infantile DEE. Also called: Early infantile epileptic encephalopathy; Early infantile epileptic encephalopathy with suppression bursts; Ohtahara syndrome. Identifiers: Orphanet 1934, MedGen C0393706, MONDO:0800491.
Inborn genetic diseases. Identifiers: MedGen C0950123, MeSH D030342.
Developmental and epileptic encephalopathy, 5 (DEE5). Identifiers: Orphanet 3451, MedGen C3150731, MONDO:0013277, OMIM 613477.

Allele frequency attached by ClinVar (database versions not stated): ESP Exome Variant Server 0.00015; gnomAD 0.00019; TOPMed 0.00019.
gnomAD v4.1: 299 of 1,613,888 alleles (0.019%); highest among the groups gnomAD compares: African/African-American, 0.033%; no homozygotes.

Submissions (8):

PreventionGenetics, part of Exact Sciences
Classification: Likely benign for SPTAN1-related condition. Last evaluated: 2026-09-01. Review status: criteria provided, single submitter. Criteria: ACMG Guidelines, 2015. Collection method: clinical testing. Allele origin: germline.
Comment: This variant is classified as likely benign based on ACMG/AMP sequence variant interpretation guidelines (Richards et al. 2015 PMID: 25741868, with internal and published modifications).

Labcorp Genetics (formerly Invitae), Labcorp
Classification: Benign for Early-infantile DEE. Last evaluated: 2025-12-08. Review status: criteria provided, single submitter. Criteria: Invitae Variant Classification Sherloc (09022015). Collection method: clinical testing. Allele origin: germline.

Mayo Clinic Laboratories, Mayo Clinic
Classification: Uncertain significance. Last evaluated: 2025-05-07. Review status: criteria provided, single submitter. Criteria: ACMG Guidelines, 2015. Collection method: clinical testing. Allele origin: germline. Observed: 1 variant allele.
Comment: BS2, PP3

Revvity Omics, Revvity
Classification: Uncertain significance. Last evaluated: 2023-11-05. Review status: criteria provided, single submitter. Criteria: ACMG Guidelines, 2015. Collection method: clinical testing. Allele origin: germline.

Ambry Genetics
Classification: Likely benign for Inborn genetic diseases. Last evaluated: 2022-09-06. Review status: criteria provided, single submitter. Criteria: Ambry Variant Classification Scheme 2023. Collection method: clinical testing. Allele origin: germline.

Fulgent Genetics
Classification: Likely benign for Developmental and epileptic encephalopathy, 5. Last evaluated: 2022-04-30. Review status: criteria provided, single submitter. Criteria: ACMG Guidelines, 2015. Collection method: clinical testing. Allele origin: unknown.

Genome-Nilou Lab
Classification: Benign for Developmental and epileptic encephalopathy, 5. Last evaluated: 2021-07-15. Review status: criteria provided, single submitter. Criteria: ACMG Guidelines, 2015. Collection method: clinical testing. Allele origin: germline. Affected: no.

GeneDx
Classification: Likely benign. Last evaluated: 2017-10-10. Review status: criteria provided, single submitter. Criteria: GeneDx Variant Classification (06012015). Collection method: clinical testing. Allele origin: germline. Affected: yes.
Comment: This variant is considered likely benign or benign based on one or more of the following criteria: it is a conservative change, it occurs at a poorly conserved position in the protein, it is predicted to be benign by multiple in silico algorithms, and/or has population frequency not consistent with disease.